The following is an entry in ClinVar:

NM_000038.6(APC):c.6389C>G (p.Ser2130Cys)

Gene: APC (APC regulator of Wnt signaling pathway; plus strand). Cytogenetic location: 5q22.2.
Variant type: single nucleotide variant.
Coding change: c.6389C>G on transcript NM_000038.6 (MANE Select); coding-DNA position 6389, C replaced by G.
Protein change: p.Ser2130Cys; replaces serine 2130 with cysteine.
Molecular consequence: missense variant.
Genome position (GRCh38, 1-based): chr5:112,841,983, C>G. VCF-style: chr5-112841983-C-G. GRCh37 (hg19) VCF-style: chr5-112177680-C-G.
Other names: c.6389C>G, p.Ser2130Cys (NM_001127510.3, NM_001354895.2); c.6335C>G, p.Ser2112Cys (NM_001127511.3); c.6443C>G, p.Ser2148Cys (NM_001354896.2); c.6419C>G, p.Ser2140Cys (NM_001354897.2); c.6314C>G, p.Ser2105Cys (NM_001354898.2); c.6305C>G, p.Ser2102Cys (NM_001354899.2); c.6266C>G, p.Ser2089Cys (NM_001354900.2); c.6212C>G, p.Ser2071Cys (NM_001354901.2); and 5 more; short protein forms S2112C, S2130C, S2071C, S2089C, S2105C, S2004C, S2029C, S2039C.
Identifiers: ClinVar variation 428152 (VCV000428152.13), dbSNP rs1114167591, ClinGen allele CA16035320.

ClinVar aggregate classification (germline): Uncertain significance. Review status: criteria provided, multiple submitters, no conflicts (2 of 4 stars). 2 submissions from 2 submitters: Uncertain significance (2). Last evaluated 2025-05-11.

Conditions:
Familial adenomatous polyposis 1 (FAP1). Also called: FAMILIAL ADENOMATOUS POLYPOSIS 1, ATTENUATED; POLYPOSIS, ADENOMATOUS INTESTINAL. Identifiers: MedGen C2713442, MONDO:0021056, OMIM 175100. Disease mechanism: loss of function.
Hereditary cancer-predisposing syndrome. Also called: Hereditary Cancer Syndrome; Neoplastic Syndromes, Hereditary; Hereditary neoplastic syndrome; Tumor predisposition. Identifiers: Orphanet 140162, MedGen C0027672, MeSH D009386, MONDO:0015356.

Submissions (2):

Labcorp Genetics (formerly Invitae), Labcorp
Classification: Uncertain significance for Familial adenomatous polyposis 1. Last evaluated: 2025-05-11. Review status: criteria provided, single submitter. Criteria: Invitae Variant Classification Sherloc (09022015). Collection method: clinical testing. Allele origin: germline.
Comment: This sequence change replaces serine, which is neutral and polar, with cysteine, which is neutral and slightly polar, at codon 2130 of the APC protein (p.Ser2130Cys). This variant is not present in population databases (gnomAD no frequency). This variant has not been reported in the literature in individuals affected with APC-related conditions. ClinVar contains an entry for this variant (Variation ID: 428152). Invitae Evidence Modeling of protein sequence and biophysical properties (such as structural, functional, and spatial information, amino acid conservation, physicochemical variation, residue mobility, and thermodynamic stability) indicates that this missense variant is not expected to disrupt APC protein function with a negative predictive value of 95%. In summary, the available evidence is currently insufficient to determine the role of this variant in disease. Therefore, it has been classified as a Variant of Uncertain Significance.

Ambry Genetics
Classification: Uncertain significance for Hereditary cancer-predisposing syndrome. Last evaluated: 2023-04-14. Review status: criteria provided, single submitter. Criteria: Ambry Variant Classification Scheme 2023. Collection method: clinical testing. Allele origin: germline.
Comment: The p.S2130C variant (also known as c.6389C>G), located in coding exon 15 of the APC gene, results from a C to G substitution at nucleotide position 6389. The serine at codon 2130 is replaced by cysteine, an amino acid with dissimilar properties. This amino acid position is highly conserved in available vertebrate species. In addition, in silico predictors for this gene do not accurately predict pathogenicity. Since supporting evidence is limited at this time, the clinical significance of this alteration remains unclear.